The following is an entry in ClinVar:

ClinVar aggregate classification (germline): Likely pathogenic (1 of 4 stars; one submission).

Conditions:
Autosomal recessive limb-girdle muscular dystrophy type 2J (LGMDR10). Also called: Limb-girdle muscular dystrophy, type 2J; MUSCULAR DYSTROPHY, LIMB-GIRDLE, AUTOSOMAL RECESSIVE 10. Identifiers: Orphanet 140922, MedGen C1837342, MONDO:0012127, OMIM 608807.
Dilated cardiomyopathy 1G (CMD1G). Identifiers: Orphanet 154, MedGen C1858763, MONDO:0011400, OMIM 604145.

Submission:

Labcorp Genetics (formerly Invitae), Labcorp
Classification: Likely pathogenic for Dilated cardiomyopathy 1G; Autosomal recessive limb-girdle muscular dystrophy type 2J. Last evaluated: 2026-01-13. Review status: criteria provided, single submitter. Criteria: Invitae Variant Classification Sherloc (09022015). Collection method: clinical testing. Allele origin: germline.
Comment: This sequence change creates a premature translational stop signal (p.Ile31225*) in the TTN gene. While this is not anticipated to result in nonsense mediated decay, it is expected to create a truncated TTN protein. This variant is not present in population databases (gnomAD no frequency). This variant has not been reported in the literature in individuals affected with TTN-related conditions. This variant is located in the A band of TTN (PMID: 25589632). Truncating variants in this region are significantly overrepresented in patients affected with dilated cardiomyopathy (PMID: 25589632). Truncating variants in this region have also been reported in individuals affected with autosomal recessive centronuclear myopathy (PMID: 23975875). In summary, the currently available evidence indicates that the variant is pathogenic, but additional data are needed to prove that conclusively. Therefore, this variant has been classified as Likely Pathogenic.

Literature cited by the submitters: PubMed 25589632; PubMed 23975875.

NM_001267550.2(TTN):c.93673del (p.Leu31224_Ile31225insTer)

Genes: TTN-AS1 (TTN antisense RNA 1; plus strand), TTN (titin; minus strand). Cytogenetic location: 2q31.2.
Variant type: Deletion.
Coding change: c.93673del on transcript NM_001267550.2 (MANE Select); coding-DNA position 93673, one base deleted (A; older notation c.93673delA).
Protein change: p.Leu31224_Ile31225insTer.
Molecular consequence: nonsense.
Genome position (GRCh38, 1-based): chr2:178,547,953, T deleted on the plus strand (A on the coding strand, the reverse complement: TTN is on the minus strand). VCF-style (leftmost placement, unchanged base first): chr2-178547952-AT-A. GRCh37 (hg19) VCF-style: chr2-179412679-AT-A.
Other names: c.88750del, p.Leu29583_Ile29584insTer (NM_001256850.1); c.66478del, p.Leu22159_Ile22160insTer (NM_003319.4); c.85969del, p.Leu28656_Ile28657insTer (NM_133378.4); c.66853del, p.Leu22284_Ile22285insTer (NM_133432.3); c.67054del, p.Leu22351_Ile22352insTer (NM_133437.4).
Identifiers: ClinVar variation 4787259 (VCV004787259.1).